The following is an entry in ClinVar:

ClinVar aggregate classification (germline): Benign/Likely benign. Review status: criteria provided, multiple submitters, no conflicts (2 of 4 stars). 3 submissions from 3 submitters: Benign (1); Likely benign (2). Last evaluated 2026-08-01.

Allele frequency attached by ClinVar (database versions not stated): 1000 Genomes Project 0.00040; 1000 Genomes Project 30x 0.00062; ESP Exome Variant Server 0.00070; TOPMed 0.00074.
gnomAD v4.1: 897 of 1,609,184 alleles (0.056%); highest among the groups gnomAD compares: African/African-American, 0.16%; no homozygotes.

Submissions (3):

CeGaT Center for Human Genetics Tuebingen
Classification: Likely benign. Last evaluated: 2026-08-01. Review status: criteria provided, single submitter. Criteria: CeGaT Center For Human Genetics Tuebingen Variant Classification Criteria Version 2. Collection method: clinical testing. Allele origin: germline. Affected: yes. Observed: 1 variant allele.
Comment: KRT16: BP4, BP7, BS1

Labcorp Genetics (formerly Invitae), Labcorp
Classification: Benign. Last evaluated: 2025-12-25. Review status: criteria provided, single submitter. Criteria: Invitae Variant Classification Sherloc (09022015). Collection method: clinical testing. Allele origin: germline.

Blueprint Genetics
Classification: Likely benign. Last evaluated: 2024-09-15. Review status: criteria provided, single submitter. Criteria: ACMG Guidelines, 2015. Collection method: clinical testing. Allele origin: germline.

NM_005557.4(KRT16):c.207C>T (p.Gly69=)

Gene: KRT16 (keratin 16; minus strand). Cytogenetic location: 17q21.2.
Variant type: single nucleotide variant.
Coding change: c.207C>T on transcript NM_005557.4 (MANE Select); coding-DNA position 207, C replaced by T.
Protein change: p.Gly69=; no amino-acid change (glycine 69 retained).
Molecular consequence: synonymous variant.
Genome position (GRCh38, 1-based): chr17:41,612,482, G>A on the plus strand (C>T on the coding strand, the complement: KRT16 is on the minus strand). VCF-style: chr17-41612482-G-A. GRCh37 (hg19) VCF-style: chr17-39768734-G-A.
Identifiers: ClinVar variation 732352 (VCV000732352.11), dbSNP rs112223718, ClinGen allele CA8563316.
Genomic context (GRCh38, chr17:41,612,482, plus strand): 5'-GCCACCACCATATCCTCCCCCGAAGCCACTACCAAAGCTGCTGCTGCTGCTGAAGCCACC[G>A]CCATAGCCGCCCCCCAGCCCGCAGGCTCCCCCAGAGGAGAAGCGAGAGGAGACAGACAGG-3'
Protein context (NP_005548.2, residues 59-79): GGACGLGGGY[Gly69=]GGFSSSSSFG